The following is an entry in ClinVar:

NM_001354604.2(MITF):c.355-1062G>C

Gene: MITF (melanocyte inducing transcription factor; plus strand). Cytogenetic location: 3p13.
Variant type: single nucleotide variant.
Coding change: c.355-1062G>C on transcript NM_001354604.2 (MANE Select); 1062 bases into the intron before coding-DNA position 355, G replaced by C.
Molecular consequence: intron variant.
Genome position (GRCh38, 1-based): chr3:69,936,760, G>C. VCF-style: chr3-69936760-G-C. GRCh37 (hg19) VCF-style: chr3-69985911-G-C.
Other names: c.304-1062G>C (NM_001354607.2); c.199-1062G>C (NM_001354608.2, NM_001184967.2); c.355-1062G>C (NM_198159.3); c.352-1062G>C (NM_001354605.2, NM_001354606.2, NM_006722.3); c.307-1062G>C (NM_198177.3); c.33+5G>C (NM_000248.4, NM_198158.3, NM_198178.3 and 1 more transcripts).
Identifiers: ClinVar variation 545639 (VCV000545639.10), dbSNP rs1236436555, ClinGen allele CA543809742.
Genomic context (GRCh38, chr3:69,936,760, plus strand): 5'-TTGGTGCCACCTAAAACATTGTTATGCTGGAAATGCTAGAATATAATCACTATCAGGTGA[G>C]ATTTATTCTGACTCATATTCAGTCTTTGAAATATAATGCAATAAATTGATTTAATCCACT-3'

ClinVar aggregate classification (germline): Pathogenic/Likely pathogenic. Review status: criteria provided, multiple submitters, no conflicts (2 of 4 stars). 3 submissions from 3 submitters: Pathogenic (1); Likely pathogenic (1). 1 of the submissions does not count toward it. Last evaluated 2023-02-28.

Conditions:
Waardenburg syndrome type 2. Identifiers: Orphanet 895, MedGen C2700265, MONDO:0019517.
Melanoma, cutaneous malignant, susceptibility to, 8. Also called: MELANOMA AND RENAL CELL CARCINOMA, SUSCEPTIBILITY TO; Cutaneous malignant melanoma 8. Identifiers: Orphanet 293822, MedGen C3152204, MONDO:0013759, OMIM 614456.
Tietz syndrome (TADS). Also called: TIETZ ALBINISM-DEAFNESS SYNDROME; ALBINISM-DEAFNESS OF TIETZ; HYPOPIGMENTATION/DEAFNESS OF TIETZ. Identifiers: Orphanet 42665, MedGen C0391816, MONDO:0007077, OMIM 103500.
Waardenburg syndrome type 2A (WS2A). Also called: WAARDENBURG SYNDROME WITHOUT DYSTOPIA CANTHORUM. Identifiers: Orphanet 3440, MedGen C1860339, MONDO:0008671, OMIM 193510.

Allele frequency attached by ClinVar (database versions not stated): gnomAD 0.00001.
gnomAD v4.1: 1 of 1,612,242 alleles (0.000062%); no homozygotes.

Submissions (3):

King Laboratory, University of Washington
Classification: Likely pathogenic for Waardenburg syndrome type 2A. Last evaluated: 2023-02-28. Review status: criteria provided, single submitter. Criteria: Li et al. (Genet Med. 2022). Collection method: research. Allele origin: unknown. Affected: yes.
Comment: This variant is a single base pair substitution near the beginning of the first MITF intron. It is at a site that is completely conserved and is predicted to disrupt the donor splice site of MITF isoform M exon 1. At chr3:69985911, the sequence change is CAG|gtgaga > CAGgtgaca, NNSPLICE is 0.93 and 0.45 and MaxEnt is 9.22 and 5.49 for reference and mutant sequences, respectively. At the transcript level, the predicted consequence of this splice variant would be loss of expression of MITF isoform M from the mutant allele. As of January 2023, this variant has been reported previously in an individual with hearing loss (Waardenburg Type 2) and is currently classified as likely pathogenic on ClinVar, and it is found in 1 heterozygous individual on gnomAD. Based on the prediction that this variant leads to a splicing error and a truncated protein, previous classification as likely pathogenic, and goodness of fit of genotype to phenotype, we conclude that this variant is likely pathogenic.

Labcorp Genetics (formerly Invitae), Labcorp
Classification: Pathogenic for Melanoma, cutaneous malignant, susceptibility to, 8; Waardenburg syndrome type 2A; Tietz syndrome. Last evaluated: 2022-05-29. Review status: criteria provided, single submitter. Criteria: Invitae Variant Classification Sherloc (09022015). Collection method: clinical testing. Allele origin: germline.
Comment: This sequence change falls in intron 1 of the MITF gene. It does not directly change the encoded amino acid sequence of the MITF protein. It affects a nucleotide within the consensus splice site. This variant is present in population databases (no rsID available, gnomAD no frequency). This variant has been observed in individuals with clinical features of autosomal dominant Waardenburg Syndrome, type 2A (PMID: 21373256, 30117279). It has also been observed to segregate with disease in related individuals. ClinVar contains an entry for this variant (Variation ID: 545639). Variants that disrupt the consensus splice site are a relatively common cause of aberrant splicing (PMID: 17576681, 9536098). Studies have shown that this variant is associated with altered splicing resulting in multiple RNA products (PMID: 30117279). For these reasons, this variant has been classified as Pathogenic.

Institute for Human Genetics, University Medical Center Freiburg
Classification: Likely pathogenic for Waardenburg syndrome type 2. Review status: no assertion criteria provided. Collection method: research. Allele origin: germline. Affected: yes. Observed: 1 variant allele, 1 homozygote. Not counted in ClinVar's aggregate classification.

Literature cited by the submitters: PubMed 36633841 (cited by King Laboratory, University of Washington); PubMed 21373256 (cited by Labcorp Genetics (formerly Invitae), Labcorp); PubMed 30117279 (cited by Labcorp Genetics (formerly Invitae), Labcorp); PubMed 17576681 (cited by Labcorp Genetics (formerly Invitae), Labcorp); PubMed 9536098 (cited by Labcorp Genetics (formerly Invitae), Labcorp).